The following is an entry in ClinVar:

ClinVar aggregate classification (germline): Uncertain significance (1 of 4 stars; one submission).

Submission:

GeneDx
Classification: Uncertain significance. Last evaluated: 2026-03-21. Review status: criteria provided, single submitter. Criteria: GeneDx Variant Classification Process June 2021. Collection method: clinical testing. Allele origin: germline.
Comment: Not observed at significant frequency in large population cohorts (gnomAD); In silico analysis supports that this missense variant has a deleterious effect on protein structure/function; Has not been previously published as pathogenic or benign to our knowledge

NM_003458.4(BSN):c.1211C>A (p.Pro404His)

Gene: BSN (bassoon presynaptic cytomatrix protein; plus strand). Cytogenetic location: 3p21.31.
Variant type: single nucleotide variant.
Coding change: c.1211C>A on transcript NM_003458.4 (MANE Select); coding-DNA position 1211, C replaced by A.
Protein change: p.Pro404His; replaces proline 404 with histidine.
Molecular consequence: missense variant.
Genome position (GRCh38, 1-based): chr3:49,642,845, C>A. VCF-style: chr3-49642845-C-A. GRCh37 (hg19) VCF-style: chr3-49680278-C-A.
Other names: short protein forms P404H.
Identifiers: ClinVar variation 5009581 (VCV005009581.1).